The following is an entry in ClinVar:

ClinVar aggregate classification (germline): Likely pathogenic (1 of 4 stars; one submission).

Conditions:
Charcot-Marie-Tooth disease type 4. Also called: Charcot-Marie-Tooth, Type 4; Charcot-Marie-Tooth disease, type IV. Identifiers: Orphanet 64749, MedGen C4082197, MONDO:0018995.

Submission:

Labcorp Genetics (formerly Invitae), Labcorp
Classification: Likely pathogenic for Charcot-Marie-Tooth disease type 4. Last evaluated: 2022-02-24. Review status: criteria provided, single submitter. Criteria: Invitae Variant Classification Sherloc (09022015). Collection method: clinical testing. Allele origin: germline.
Comment: In summary, the currently available evidence indicates that the variant is pathogenic, but additional data are needed to prove that conclusively. Therefore, this variant has been classified as Likely Pathogenic. This variant disrupts the C-terminus of the PRX protein. Other variant(s) that disrupt this region (p.Glu1322Glyfs*3, p.Gly1258Thrfs*124, p.Glu1235*) have been observed in individuals with PRX-related conditions (PMID: 21840889, 24078732, 29858556). This suggests that this may be a clinically significant region of the protein. Algorithms developed to predict the effect of sequence changes on RNA splicing suggest that this variant may create or strengthen a splice site. This variant has not been reported in the literature in individuals affected with PRX-related conditions. This variant is not present in population databases (gnomAD no frequency). This sequence change creates a premature translational stop signal (p.Gln1168*) in the PRX gene. While this is not anticipated to result in nonsense mediated decay, it is expected to disrupt the last 294 amino acid(s) of the PRX protein.

Literature cited by the submitters: PubMed 21840889; PubMed 24078732; PubMed 29858556.

NM_181882.3(PRX):c.3502C>T (p.Gln1168Ter)

Gene: PRX (periaxin; minus strand). Cytogenetic location: 19q13.2.
Variant type: single nucleotide variant.
Coding change: c.3502C>T on transcript NM_181882.3 (MANE Select); coding-DNA position 3502, C replaced by T.
Protein change: p.Gln1168Ter; replaces glutamine 1168 with a stop codon.
Molecular consequence: nonsense. On other transcripts: 3 prime UTR variant (1).
Genome position (GRCh38, 1-based): chr19:40,394,850, G>A on the plus strand (C>T on the coding strand, the complement: PRX is on the minus strand). VCF-style: chr19-40394850-G-A. GRCh37 (hg19) VCF-style: chr19-40900757-G-A.
Other names: c.*3707C>T (NM_020956.2); short protein forms Q1168*.
Identifiers: ClinVar variation 1514020 (VCV001514020.8), dbSNP rs2145726269, ClinGen allele CA405893432.